The following is an entry in ClinVar:

NM_004963.4(GUCY2C):c.341G>A (p.Arg114Gln)

Genes: GUCY2C (guanylate cyclase 2C; minus strand), GUCY2C-AS1 (GUCY2C antisense RNA 1; plus strand). Cytogenetic location: 12p12.3.
Variant type: single nucleotide variant.
Coding change: c.341G>A on transcript NM_004963.4 (MANE Select); coding-DNA position 341, G replaced by A.
Protein change: p.Arg114Gln; replaces arginine 114 with glutamine.
Molecular consequence: missense variant.
Genome position (GRCh38, 1-based): chr12:14,686,215, C>T on the plus strand (G>A on the coding strand, the complement: GUCY2C is on the minus strand). VCF-style: chr12-14686215-C-T. GRCh37 (hg19) VCF-style: chr12-14839149-C-T.
Other names: short protein forms R114Q.
Identifiers: ClinVar variation 774705 (VCV000774705.27), dbSNP rs56275235, ClinGen allele CA6463770.

ClinVar aggregate classification (germline): Likely benign. Review status: criteria provided, multiple submitters, no conflicts (2 of 4 stars). 4 submissions from 4 submitters: Likely benign (4). Last evaluated 2026-04-01.

Conditions:
GUCY2C-related disorder. Also called: GUCY2C-related condition.

Allele frequency attached by ClinVar (database versions not stated): 1000 Genomes Project 30x 0.00109; 1000 Genomes Project 0.00120; ExAC 0.00208; gnomAD exomes 0.00208; TOPMed 0.00229; gnomAD 0.00239 and 0.00243; ESP Exome Variant Server 0.00284.
gnomAD v4.1: 5,480 of 1,605,080 alleles (0.34%); highest among the groups gnomAD compares: Non-Finnish European, 0.43%; 15 homozygotes.

Submissions (4):

CeGaT Center for Human Genetics Tuebingen
Classification: Likely benign. Last evaluated: 2026-04-01. Review status: criteria provided, single submitter. Criteria: CeGaT Center For Human Genetics Tuebingen Variant Classification Criteria Version 2. Collection method: clinical testing. Allele origin: germline. Affected: yes. Observed: 5 variant alleles.
Comment: GUCY2C: BP4, BS2

Labcorp Genetics (formerly Invitae), Labcorp
Classification: Likely benign. Last evaluated: 2026-02-02. Review status: criteria provided, single submitter. Criteria: Invitae Variant Classification Sherloc (09022015). Collection method: clinical testing. Allele origin: germline.

PreventionGenetics, part of Exact Sciences
Classification: Likely benign for GUCY2C-related condition. Last evaluated: 2024-12-17. Review status: criteria provided, single submitter. Criteria: ACMG Guidelines, 2015. Collection method: clinical testing. Allele origin: germline.
Comment: This variant is classified as likely benign based on ACMG/AMP sequence variant interpretation guidelines (Richards et al. 2015 PMID: 25741868, with internal and published modifications).

Blueprint Genetics
Classification: Likely benign. Last evaluated: 2024-11-21. Review status: criteria provided, single submitter. Criteria: ACMG Guidelines, 2015. Collection method: clinical testing. Allele origin: germline.